The following is an entry in ClinVar:

ClinVar aggregate classification (germline): Uncertain significance (1 of 4 stars; one submission).

Submission:

GeneDx
Classification: Uncertain significance. Last evaluated: 2024-11-14. Review status: criteria provided, single submitter. Criteria: GeneDx Variant Classification Process June 2021. Collection method: clinical testing. Allele origin: germline. Affected: yes.
Comment: Not observed at significant frequency in large population cohorts (gnomAD); In silico analysis supports that this missense variant has a deleterious effect on protein structure/function; Has not been previously published as pathogenic or benign to our knowledge; Variants in candidate genes are classified as variants of uncertain significance in accordance with ACMG guidelines (PMID: 25741868)

NM_012141.3(INTS6):c.902G>A (p.Arg301His)

Gene: INTS6 (integrator complex subunit 6; minus strand). Cytogenetic location: 13q14.3.
Variant type: single nucleotide variant.
Coding change: c.902G>A on transcript NM_012141.3 (MANE Select); coding-DNA position 902, G replaced by A.
Protein change: p.Arg301His; replaces arginine 301 with histidine.
Molecular consequence: missense variant.
Genome position (GRCh38, 1-based): chr13:51,383,734, C>T on the plus strand (G>A on the coding strand, the complement: INTS6 is on the minus strand). VCF-style: chr13-51383734-C-T. GRCh37 (hg19) VCF-style: chr13-51957870-C-T.
Other names: c.863G>A, p.Arg288His (NM_001039937.2); c.368G>A, p.Arg123His (NM_001306091.2); short protein forms R123H, R288H, R301H.
Identifiers: ClinVar variation 4529702 (VCV004529702.1).